The following is an entry in ClinVar:

ClinVar aggregate classification (germline): Pathogenic (1 of 4 stars; one submission).

Conditions:
Multiple endocrine neoplasia, type 1 (MEN1). Also called: WERMER SYNDROME; Endocrine adenomatosis multiple; MEN 1; MEA I; MEN I. Identifiers: Orphanet 652, MedGen C0025267, MeSH D018761, MONDO:0007540, OMIM 131100.

Submission:

Labcorp Genetics (formerly Invitae), Labcorp
Classification: Pathogenic for Multiple endocrine neoplasia, type 1. Last evaluated: 2023-12-27. Review status: criteria provided, single submitter. Criteria: Invitae Variant Classification Sherloc (09022015). Collection method: clinical testing. Allele origin: germline.
Comment: This sequence change creates a premature translational stop signal (p.Gln192*) in the MEN1 gene. It is expected to result in an absent or disrupted protein product. Loss-of-function variants in MEN1 are known to be pathogenic (PMID: 12112656, 17853334). This variant is not present in population databases (gnomAD no frequency). This premature translational stop signal has been observed in individual(s) with multiple endocrine neoplasia type 1 (PMID: 16563611). ClinVar contains an entry for this variant (Variation ID: 2137147). Algorithms developed to predict the effect of sequence changes on RNA splicing suggest that this variant may disrupt the consensus splice site. For these reasons, this variant has been classified as Pathogenic.

Literature cited by the submitters: PubMed 12112656; PubMed 17853334; PubMed 16563611.

NM_001370259.2(MEN1):c.574C>T (p.Gln192Ter)

Gene: MEN1 (menin 1; minus strand). Cytogenetic location: 11q13.1.
Variant type: single nucleotide variant.
Coding change: c.574C>T on transcript NM_001370259.2 (MANE Select); coding-DNA position 574, C replaced by T.
Protein change: p.Gln192Ter; replaces glutamine 192 with a stop codon.
Molecular consequence: nonsense. On other transcripts: intron variant (2).
Genome position (GRCh38, 1-based): chr11:64,807,971, G>A on the plus strand (C>T on the coding strand, the complement: MEN1 is on the minus strand). VCF-style: chr11-64807971-G-A. GRCh37 (hg19) VCF-style: chr11-64575443-G-A.
Other names: c.589C>T, p.Gln197Ter (NM_000244.4, NM_001407145.1, NM_001407150.1 and 5 more transcripts); c.574C>T, p.Gln192Ter (NM_001370251.2, NM_001370260.2, NM_001370261.2 and 7 more transcripts); c.549+25C>T (NM_001370263.2, NM_001370262.2); short protein forms Q192*, Q197*.
Identifiers: ClinVar variation 2137147 (VCV002137147.4), dbSNP rs2497221294, ClinGen allele CA381185660.